The following is an entry in ClinVar:

ClinVar aggregate classification (germline): Pathogenic (1 of 4 stars; one submission).

Conditions:
Anophthalmia/microphthalmia-esophageal atresia syndrome (MCOPS3). Also called: AEG SYNDROME; MICROPHTHALMIA AND ESOPHAGEAL ATRESIA SYNDROME; SOX2 Disorder. Identifiers: Orphanet 77298, MedGen C1859773, MONDO:0008799, OMIM 206900.

Submission:

Labcorp Genetics (formerly Invitae), Labcorp
Classification: Pathogenic for Anophthalmia/microphthalmia-esophageal atresia syndrome. Last evaluated: 2022-12-22. Review status: criteria provided, single submitter. Criteria: Invitae Variant Classification Sherloc (09022015). Collection method: clinical testing. Allele origin: germline.
Comment: For these reasons, this variant has been classified as Pathogenic. This variant disrupts a region of the SOX2 protein in which other variant(s) (p.Tyr180*) have been determined to be pathogenic (PMID: 19921648). This suggests that this is a clinically significant region of the protein, and that variants that disrupt it are likely to be disease-causing. This variant has not been reported in the literature in individuals affected with SOX2-related conditions. This variant is not present in population databases (gnomAD no frequency). This sequence change creates a premature translational stop signal (p.Leu9*) in the SOX2 gene. While this is not anticipated to result in nonsense mediated decay, it is expected to disrupt the last 309 amino acid(s) of the SOX2 protein.

Literature cited by the submitters: PubMed 19921648.

NM_003106.4(SOX2):c.25del (p.Glu8_Leu9insTer)

Genes: SOX2 (SRY-box transcription factor 2; plus strand), SOX2-OT (SOX2 overlapping transcript; plus strand), LOC108281177 (SOX2 5' regulatory region; plus strand). Cytogenetic location: 3q26.33.
Variant type: Deletion.
Coding change: c.25del on transcript NM_003106.4 (MANE Select); coding-DNA position 25, one base deleted (C; older notation c.25delC).
Protein change: p.Glu8_Leu9insTer.
Molecular consequence: nonsense.
Genome position (GRCh38, 1-based): chr3:181,712,385, C deleted. VCF-style (leftmost placement, unchanged base first): chr3-181712384-GC-G. GRCh37 (hg19) VCF-style: chr3-181430172-GC-G.
Identifiers: ClinVar variation 2823248 (VCV002823248.3), dbSNP rs2473716682, ClinGen allele CA2739279355.